The following is an entry in ClinVar:

ClinVar aggregate classification (germline): Benign/Likely benign. Review status: criteria provided, multiple submitters, no conflicts (2 of 4 stars). 2 submissions from 2 submitters: Benign (1); Likely benign (1). Last evaluated 2025-12-17.

Submissions (2):

Mayo Clinic Laboratories, Mayo Clinic
Classification: Likely benign. Last evaluated: 2025-12-17. Review status: criteria provided, single submitter. Criteria: ACMG Guidelines, 2015. Collection method: clinical testing. Allele origin: germline. Observed: 1 variant allele.
Comment: BP4, BP7, PM2_supporting

Labcorp Genetics (formerly Invitae), Labcorp
Classification: Benign. Last evaluated: 2022-08-30. Review status: criteria provided, single submitter. Criteria: Invitae Variant Classification Sherloc (09022015). Collection method: clinical testing. Allele origin: germline.

NM_000094.4(COL7A1):c.6937-12dup

Gene: COL7A1 (collagen type VII alpha 1 chain; minus strand). Cytogenetic location: 3p21.31.
Variant type: Duplication.
Coding change: c.6937-12dup on transcript NM_000094.4 (MANE Select); 12 bases into the intron before coding-DNA position 6937, one base duplicated (C; older notation c.6937-12dupC).
Molecular consequence: intron variant.
Genome position (GRCh38, 1-based): chr3:48,572,429, G duplicated on the plus strand (C on the coding strand, the reverse complement: COL7A1 is on the minus strand); the first of 5 consecutive G bases (chr3:48,572,429-48,572,433); duplicating any one gives the same sequence. VCF-style (leftmost placement, unchanged base first): chr3-48572428-A-AG. GRCh37 (hg19) VCF-style: chr3-48609861-A-AG.
Other names: p.?; c.6937-8dup (NM_000094.3).
Identifiers: ClinVar variation 1166704 (VCV001166704.8), dbSNP rs2043989608, ClinGen allele CA913102938.